The following is an entry in ClinVar:

NM_198334.3(GANAB):c.2226A>G (p.Ile742Met)

Gene: GANAB (glucosidase II alpha subunit; minus strand). Cytogenetic location: 11q12.3.
Variant type: single nucleotide variant.
Coding change: c.2226A>G on transcript NM_198334.3 (MANE Select); coding-DNA position 2226, A replaced by G.
Protein change: p.Ile742Met; replaces isoleucine 742 with methionine.
Molecular consequence: missense variant.
Genome position (GRCh38, 1-based): chr11:62,627,308, T>C on the plus strand (A>G on the coding strand, the complement: GANAB is on the minus strand). VCF-style: chr11-62627308-T-C. GRCh37 (hg19) VCF-style: chr11-62394780-T-C.
Other names: c.2292A>G (NM_198335.2, NM_198335.3); c.1950A>G, p.Ile650Met (NM_001278192.2); c.1884A>G, p.Ile628Met (NM_001278193.2); c.1935A>G, p.Ile645Met (NM_001278194.2, NM_001329222.2, NM_001329223.2); c.1503A>G, p.Ile501Met (NM_001329224.2, NM_001329225.2); c.2292A>G, p.Ile764Met (NM_198335.4); short protein forms I645M, I628M, I650M, I742M, I501M, I764M.
Identifiers: ClinVar variation 2910269 (VCV002910269.8), dbSNP rs143779086, ClinGen allele CA6050546.
Genomic context (GRCh38, chr11:62,627,308, plus strand): 5'-GGCCCAAAGCCAACCCACCACCAACTATCCTCATTTCTCACCAAGCAAGTACTGATCATC[T>C]ATATTGAAGGTAGTCACATCCTGAGGGTACTGCACCCACAGGGGCCTAGGAAGGAAGAAA-3'
Protein context (NP_938148.1, residues 732-752): QYPQDVTTFN[Ile742Met]DDQYLLGDAL

ClinVar aggregate classification (germline): Conflicting classifications of pathogenicity. Review status: criteria provided, conflicting classifications (1 of 4 stars). 5 submissions from 5 submitters: Uncertain significance (1); Benign (1); Likely benign (2). 1 of the submissions does not count toward it. Last evaluated 2025-05-27.

Conditions:
Polycystic kidney disease 3 with or without polycystic liver disease. Also called: Polycystic kidney disease 3; POLYCYSTIC KIDNEY DISEASE, ADULT, TYPE III; Polycystic Kidney and/or Polycystic Liver Disease 3. Identifiers: MedGen C3887964, MONDO:0010916, OMIM 600666.
Inborn genetic diseases. Identifiers: MedGen C0950123, MeSH D030342.
GANAB-related disorder. Also called: GANAB-related condition.

Allele frequency attached by ClinVar (database versions not stated): gnomAD 0.00009; ExAC 0.00014; 1000 Genomes Project 0.00060; 1000 Genomes Project 30x 0.00062.
gnomAD v4.1: 61 of 1,581,134 alleles (0.0039%); highest among the groups gnomAD compares: East Asian, 0.12%; 1 homozygote.

Submissions (5):

Ambry Genetics
Classification: Likely benign for Inborn genetic diseases. Last evaluated: 2025-05-27. Review status: criteria provided, single submitter. Criteria: Ambry Variant Classification Scheme 2023. Collection method: clinical testing. Allele origin: germline.

Labcorp Genetics (formerly Invitae), Labcorp
Classification: Benign. Last evaluated: 2025-05-03. Review status: criteria provided, single submitter. Criteria: Invitae Variant Classification Sherloc (09022015). Collection method: clinical testing. Allele origin: germline.

Fulgent Genetics
Classification: Uncertain significance for Polycystic kidney disease 3 with or without polycystic liver disease. Last evaluated: 2024-04-22. Review status: criteria provided, single submitter. Criteria: ACMG Guidelines, 2015. Collection method: clinical testing. Allele origin: germline.

Blueprint Genetics
Classification: Likely benign. Last evaluated: 2022-02-11. Review status: criteria provided, single submitter. Criteria: ACMG Guidelines, 2015. Collection method: clinical testing. Allele origin: germline.

PreventionGenetics, part of Exact Sciences
Classification: Likely benign for GANAB-related condition. Last evaluated: 2020-06-22. Review status: no assertion criteria provided. Collection method: clinical testing. Allele origin: germline. Not counted in ClinVar's aggregate classification.
Comment: This variant is classified as likely benign based on ACMG/AMP sequence variant interpretation guidelines (Richards et al. 2015 PMID: 25741868, with internal and published modifications).